The following is an entry in ClinVar:

NM_025099.6(CTC1):c.286G>T (p.Ala96Ser)

Gene: CTC1 (CST telomere replication complex component 1; minus strand). Cytogenetic location: 17p13.1.
Variant type: single nucleotide variant.
Coding change: c.286G>T on transcript NM_025099.6 (MANE Select); coding-DNA position 286, G replaced by T.
Protein change: p.Ala96Ser; replaces alanine 96 with serine.
Molecular consequence: missense variant. On other transcripts: non-coding transcript variant (1).
Genome position (GRCh38, 1-based): chr17:8,238,541, C>A on the plus strand (G>T on the coding strand, the complement: CTC1 is on the minus strand). VCF-style: chr17-8238541-C-A. GRCh37 (hg19) VCF-style: chr17-8141859-C-A.
Other names: short protein forms A96S.
Identifiers: ClinVar variation 845234 (VCV000845234.9), dbSNP rs751570124, ClinGen allele CA8372658.

ClinVar aggregate classification (germline): Uncertain significance. Review status: criteria provided, multiple submitters, no conflicts (2 of 4 stars). 2 submissions from 2 submitters: Uncertain significance (2). Last evaluated 2025-11-03.

Conditions:
Dyskeratosis congenita. Identifiers: Orphanet 1775, MedGen C0265965, MONDO:0015780.
Inborn genetic diseases. Identifiers: MedGen C0950123, MeSH D030342.

Allele frequency attached by ClinVar (database versions not stated): TOPMed below 0.00001; ExAC 0.00001; gnomAD 0.00001; gnomAD exomes 0.00001.
gnomAD v4.1: 6 of 1,614,030 alleles (0.00037%); highest among the groups gnomAD compares: Admixed American, 0.005%; no homozygotes.

Submissions (2):

Ambry Genetics
Classification: Uncertain significance for Inborn genetic diseases. Last evaluated: 2025-11-03. Review status: criteria provided, single submitter. Criteria: Ambry Variant Classification Scheme 2023. Collection method: clinical testing. Allele origin: germline.

Labcorp Genetics (formerly Invitae), Labcorp
Classification: Uncertain significance for Dyskeratosis congenita. Last evaluated: 2023-07-16. Review status: criteria provided, single submitter. Criteria: Invitae Variant Classification Sherloc (09022015). Collection method: clinical testing. Allele origin: germline.
Comment: This variant has not been reported in the literature in individuals affected with CTC1-related conditions. This variant is present in population databases (rs751570124, gnomAD 0.006%). This sequence change replaces alanine, which is neutral and non-polar, with serine, which is neutral and polar, at codon 96 of the CTC1 protein (p.Ala96Ser). ClinVar contains an entry for this variant (Variation ID: 845234). In summary, the available evidence is currently insufficient to determine the role of this variant in disease. Therefore, it has been classified as a Variant of Uncertain Significance. Advanced modeling of protein sequence and biophysical properties (such as structural, functional, and spatial information, amino acid conservation, physicochemical variation, residue mobility, and thermodynamic stability) performed at Invitae indicates that this missense variant is not expected to disrupt CTC1 protein function.